The following is an entry in ClinVar:

NM_006269.2(RP1):c.2716G>T (p.Ala906Ser)

Gene: RP1 (RP1 axonemal microtubule associated; plus strand). Cytogenetic location: 8q12.1.
Variant type: single nucleotide variant.
Coding change: c.2716G>T on transcript NM_006269.2 (MANE Select); coding-DNA position 2716, G replaced by T.
Protein change: p.Ala906Ser; replaces alanine 906 with serine.
Molecular consequence: missense variant. On other transcripts: intron variant (1).
Genome position (GRCh38, 1-based): chr8:54,626,598, G>T. VCF-style: chr8-54626598-G-T. GRCh37 (hg19) VCF-style: chr8-55539158-G-T.
Other names: c.787+4310G>T (NM_001375654.1); short protein forms A906S.
Identifiers: ClinVar variation 3002975 (VCV003002975.3), dbSNP rs201538234, ClinGen allele CA4751573.

ClinVar aggregate classification (germline): Uncertain significance (1 of 4 stars; one submission).

gnomAD v4.1: 12 of 1,613,526 alleles (0.00074%); highest among the groups gnomAD compares: Non-Finnish European, 0.001%; no homozygotes.

Submission:

Labcorp Genetics (formerly Invitae), Labcorp
Classification: Uncertain significance. Last evaluated: 2023-06-14. Review status: criteria provided, single submitter. Criteria: Invitae Variant Classification Sherloc (09022015). Collection method: clinical testing. Allele origin: germline.
Comment: This sequence change replaces alanine, which is neutral and non-polar, with serine, which is neutral and polar, at codon 906 of the RP1 protein (p.Ala906Ser). The frequency data for this variant in the population databases is considered unreliable, as metrics indicate poor data quality at this position in the gnomAD database. In summary, the available evidence is currently insufficient to determine the role of this variant in disease. Therefore, it has been classified as a Variant of Uncertain Significance. An algorithm developed to predict the effect of missense changes on protein structure and function (PolyPhen-2) suggests that this variant is likely to be tolerated. This variant has not been reported in the literature in individuals affected with RP1-related conditions.